The following is an entry in ClinVar:

ClinVar aggregate classification (germline): Pathogenic. Review status: criteria provided, multiple submitters, no conflicts (2 of 4 stars). 3 submissions from 3 submitters: Pathogenic (2). 1 of the submissions does not count toward it. Last evaluated 2024-11-29.

Conditions:
Platelet-type bleeding disorder 18 (BDPLT18). Identifiers: Orphanet 420566, MedGen C4014584, MONDO:0014386, OMIM 615888.

Submissions (3):

Labcorp Genetics (formerly Invitae), Labcorp
Classification: Pathogenic. Last evaluated: 2024-11-29. Review status: criteria provided, single submitter. Criteria: Invitae Variant Classification Sherloc (09022015). Collection method: clinical testing. Allele origin: germline.
Comment: This sequence change creates a premature translational stop signal (p.Arg494Alafs*54) in the RASGRP2 gene. It is expected to result in an absent or disrupted protein product. Loss-of-function variants in RASGRP2 are known to be pathogenic (PMID: 27235135, 27663674). The frequency data for this variant in the population databases is considered unreliable, as metrics indicate poor data quality at this position in the gnomAD database. This premature translational stop signal has been observed in individual(s) with inherited platelet disorder (PMID: 28960434, 33711653). ClinVar contains an entry for this variant (Variation ID: 812732). Algorithms developed to predict the effect of sequence changes on RNA splicing suggest that this variant may disrupt the consensus splice site. For these reasons, this variant has been classified as Pathogenic.

Neuberg Centre For Genomic Medicine, NCGM
Classification: Pathogenic for Platelet-type bleeding disorder 18. Review status: criteria provided, single submitter. Criteria: ACMG Guidelines, 2015. Collection method: clinical testing. Allele origin: germline. Inheritance: Autosomal recessive inheritance. Affected: yes.
Comment: The frameshift variant c.1479dup (p.Arg494AlafsTer54) in the RASGRP2 gene has been reported previously in homozygous state in a patient affected with platelet-type bleeding disorder (Yang EJ. et al., 2021). This variant has been submitted allele frequency (0.003%) in the gnomAD and novel in 1000 genome database. It has been submitted to ClinVar database as Likely Pathogenic. This variant is predicted to cause loss of normal protein function through protein truncation. Loss of function variants have been previously reported to be disease causing. For these reasons, this variant has been classified as Pathogenic.

NIHR Bioresource Rare Diseases, University of Cambridge
Classification: Likely pathogenic for Platelet-type bleeding disorder 18. Review status: no assertion criteria provided. Collection method: research. Allele origin: unknown. Affected: yes. Observed: 1 variant allele. Not counted in ClinVar's aggregate classification.

Literature cited by the submitters: PubMed 27235135 (cited by Labcorp Genetics (formerly Invitae), Labcorp); PubMed 27663674 (cited by Labcorp Genetics (formerly Invitae), Labcorp); PubMed 28960434 (cited by Labcorp Genetics (formerly Invitae), Labcorp); PubMed 33711653 (cited by Labcorp Genetics (formerly Invitae), Labcorp); PubMed 32581362 (cited by NIHR Bioresource Rare Diseases, University of Cambridge).

NM_001098671.2(RASGRP2):c.1479dup (p.Arg494fs)

Gene: RASGRP2 (RAS guanyl releasing protein 2; minus strand). Cytogenetic location: 11q13.1.
Variant type: Duplication.
Coding change: c.1479dup on transcript NM_001098671.2 (MANE Select); coding-DNA position 1479, one base duplicated (G; older notation c.1479dupG).
Protein change: p.Arg494fs; shifts the reading frame from arginine 494.
Molecular consequence: frameshift variant.
Genome position (GRCh38, 1-based): chr11:64,730,128, C duplicated on the plus strand (G on the coding strand, the reverse complement: RASGRP2 is on the minus strand); the first of 7 consecutive C bases (chr11:64,730,128-64,730,134); duplicating any one gives the same sequence. VCF-style (leftmost placement, unchanged base first): chr11-64730127-G-GC. GRCh37 (hg19) VCF-style: chr11-64497599-G-GC.
Other names: c.1479dupG (NM_153819.1); c.1479dup, p.Arg494fs (NM_001098670.2); c.1044dup, p.Arg349fs (NM_001318398.2); c.1473dup, p.Arg494Alafs (NM_153819.2); short protein forms R494fs, R349fs.
Identifiers: ClinVar variation 812732 (VCV000812732.6), dbSNP rs774996406, ClinGen allele CA6078897.